The following is an entry in ClinVar:

NM_004426.3(PHC1):c.15C>T (p.Ser5=)

Gene: PHC1 (polyhomeotic homolog 1; plus strand). Cytogenetic location: 12p13.31.
Variant type: single nucleotide variant.
Coding change: c.15C>T on transcript NM_004426.3 (MANE Select); coding-DNA position 15, C replaced by T.
Protein change: p.Ser5=; no amino-acid change (serine 5 retained).
Molecular consequence: synonymous variant. On other transcripts: non-coding transcript variant (1).
Genome position (GRCh38, 1-based): chr12:8,917,692, C>T. VCF-style: chr12-8917692-C-T. GRCh37 (hg19) VCF-style: chr12-9070288-C-T.
Other names: NC_000012.11:g.9070288C>T; c.15C>T, p.Ser5= (NM_001413738.1, NM_001413739.1, NM_001413740.1 and 14 more transcripts); c.15C>T (NM_004426.2).
Identifiers: ClinVar variation 4389784 (VCV004389784.2).

ClinVar aggregate classification (germline): Likely benign (1 of 4 stars; one submission).

Conditions:
PHC1-related disorder. Also called: PHC1-related condition.

gnomAD v4.1: 585 of 1,554,928 alleles (0.038%); highest among the groups gnomAD compares: Non-Finnish European, 0.048%; no homozygotes.

Submissions (2):

PreventionGenetics, part of Exact Sciences
Classification: Likely benign for PHC1-related condition. Last evaluated: 2025-02-06. Review status: criteria provided, single submitter. Criteria: ACMG Guidelines, 2015. Collection method: clinical testing. Allele origin: germline.
Comment: This variant is classified as likely benign based on ACMG/AMP sequence variant interpretation guidelines (Richards et al. 2015 PMID: 25741868, with internal and published modifications).

Dr. Peter K. Rogan Lab, Western University
No classification provided (evidence only). Condition: Clear cell carcinoma of kidney. Review status: no classification provided. Collection method: in vitro. Allele origin: not applicable. Functional consequence: retained intron. Not counted in ClinVar's aggregate classification.